The following is an entry in ClinVar:

ClinVar aggregate classification (germline): Uncertain significance. Review status: criteria provided, multiple submitters, no conflicts (2 of 4 stars). 3 submissions from 3 submitters: Uncertain significance (3). Last evaluated 2025-11-04.

Conditions:
BBS9-related disorder. Also called: BBS9-related condition.
Bardet-Biedl syndrome 9 (BBS9). Identifiers: Orphanet 110, MedGen C1859567, MONDO:0014437, OMIM 615986.

gnomAD v4.1: 129 of 1,613,518 alleles (0.008%); highest among the groups gnomAD compares: South Asian, 0.023%; no homozygotes.

Submissions (3):

PreventionGenetics, part of Exact Sciences
Classification: Uncertain significance for BBS9-related condition. Last evaluated: 2025-11-04. Review status: criteria provided, single submitter. Criteria: ACMG Guidelines, 2015. Collection method: clinical testing. Allele origin: germline.
Comment: The BBS9 c.1255C>G variant is predicted to result in the amino acid substitution p.Pro419Ala. This variant has been reported in combination with a second BBS9 variant in two patients with retinal diseases, but in both cases both variants were classified as uncertain significance (Lee et al. 2015. PubMed ID: 25910913; Comander et al. 2017. PubMed ID: 28981474). This variant has also been reported in combination with a second BBS9 variant and a LEPR variant in an individual from an obesity cohort. (Supplemental Table 1, Roberts et al. 2022. PubMed ID: 35562395). This variant is reported in 0.016% of alleles in individuals of South Asian descent in gnomAD. At this time, the clinical significance of this variant is uncertain due to the absence of conclusive functional and genetic evidence.

Blueprint Genetics
Classification: Uncertain significance. Last evaluated: 2024-10-30. Review status: criteria provided, single submitter. Criteria: ACMG Guidelines, 2015. Collection method: clinical testing. Allele origin: germline.

Fulgent Genetics
Classification: Uncertain significance for Bardet-Biedl syndrome 9. Last evaluated: 2024-03-07. Review status: criteria provided, single submitter. Criteria: ACMG Guidelines, 2015. Collection method: clinical testing. Allele origin: germline.

NM_198428.3(BBS9):c.1255C>G (p.Pro419Ala)

Gene: BBS9 (Bardet-Biedl syndrome 9; plus strand). Cytogenetic location: 7p14.3.
Variant type: single nucleotide variant.
Coding change: c.1255C>G on transcript NM_198428.3 (MANE Select); coding-DNA position 1255, C replaced by G.
Protein change: p.Pro419Ala; replaces proline 419 with alanine.
Molecular consequence: missense variant. On other transcripts: non-coding transcript variant (3).
Genome position (GRCh38, 1-based): chr7:33,340,953, C>G. VCF-style: chr7-33340953-C-G. GRCh37 (hg19) VCF-style: chr7-33380565-C-G.
Other names: c.1255C>G, p.Pro419Ala (NM_001033604.2, NM_001033605.2, NM_001348036.1 and 5 more transcripts); c.889C>G, p.Pro297Ala (NM_001348037.3, NM_001348044.3, NM_001348045.3 and 1 more transcripts); c.982C>G, p.Pro328Ala (NM_001348038.3, NM_001348039.3); c.1120C>G, p.Pro374Ala (NM_001348042.3); c.1255C>G (NM_198428.2); short protein forms P328A, P374A, P419A, P297A.
Identifiers: ClinVar variation 3594549 (VCV003594549.3).
Genomic context (GRCh38, chr7:33,340,953, plus strand): 5'-ACAGGTGTTTGGCCCATGACTGAGAGAGAAGATGACTTGAACGTTTCTGTCGTGGTTTCT[C>G]CTAACTTTGATTCAGTTTCTGTAGGTGTACTTGCAGATTTTAAAGGGGTTTATAAGAGTG-3'
Protein context (NP_940820.1, residues 409-429): DDLNVSVVVS[Pro419Ala]NFDSVSQATD